The following is an entry in ClinVar:

NM_001365536.1(SCN9A):c.5112_5123del (p.Ala1705_Leu1708del)

Genes: SCN1A-AS1 (SCN1A and SCN9A antisense RNA 1; plus strand), SCN9A (sodium voltage-gated channel alpha subunit 9; minus strand). Cytogenetic location: 2q24.3.
Variant type: Deletion.
Coding change: c.5112_5123del on transcript NM_001365536.1 (MANE Select); coding-DNA positions 5112 to 5123, 12 bases deleted (AGCACCTATTCT).
Protein change: p.Ala1705_Leu1708del.
Molecular consequence: inframe deletion. On other transcripts: inframe indel (1).
Genome position (GRCh38, 1-based): chr2:166,199,516-166,199,527, AGAATAGGTGCT deleted on the plus strand (AGCACCTATTCT on the coding strand, the reverse complement: SCN9A is on the minus strand); deleting any 12 consecutive bases within chr2:166,199,516-166,199,529 gives the same sequence; the c. name uses the placement nearest the transcript's 3' end. VCF-style (leftmost placement, unchanged base first): chr2-166199515-AAGAATAGGTGCT-A. GRCh37 (hg19) VCF-style: chr2-167056025-AAGAATAGGTGCT-A.
Other names: c.5077_5088delCTAGCACCTATT, p.Ala1694_Leu1697del (NM_002977.4).
Identifiers: ClinVar variation 1445067 (VCV001445067.8), dbSNP rs2106337586, ClinGen allele CA2573133541.

ClinVar aggregate classification (germline): Uncertain significance (1 of 4 stars; one submission).

Conditions:
Generalized epilepsy with febrile seizures plus, type 7 (GEFSP7). Also called: GEFS+, TYPE 7. Identifiers: Orphanet 36387, MedGen C2751778, MONDO:0013470, OMIM 613863.
Neuropathy, hereditary sensory and autonomic, type 2A (HSAN2A). Also called: HSAN IIA; WNK1-Related HSAN2 (HSAN2A); MORVAN DISEASE; NEUROPATHY, CONGENITAL SENSORY; NEUROPATHY, HEREDITARY SENSORY RADICULAR, AUTOSOMAL RECESSIVE; NEUROPATHY, HEREDITARY SENSORY, TYPE IIA. Identifiers: Orphanet 970, MedGen C2752089, MONDO:0024309, OMIM 201300.

Submission:

Labcorp Genetics (formerly Invitae), Labcorp
Classification: Uncertain significance for Neuropathy, hereditary sensory and autonomic, type 2A; Generalized epilepsy with febrile seizures plus, type 7. Last evaluated: 2021-02-08. Review status: criteria provided, single submitter. Criteria: Invitae Variant Classification Sherloc (09022015). Collection method: clinical testing. Allele origin: germline.
Comment: This variant, c.5079_5090del, results in the deletion of 4 amino acid(s) of the SCN9A protein (p.Ala1694_Leu1697del), but otherwise preserves the integrity of the reading frame. This variant is not present in population databases (ExAC no frequency). This variant has not been reported in the literature in individuals with SCN9A-related conditions. Experimental studies and prediction algorithms are not available or were not evaluated, and the functional significance of this variant is currently unknown. In summary, the available evidence is currently insufficient to determine the role of this variant in disease. Therefore, it has been classified as a Variant of Uncertain Significance.